The following is an entry in ClinVar:

ClinVar aggregate classification (germline): Uncertain significance (1 of 4 stars; one submission).

Submission:

Labcorp Genetics (formerly Invitae), Labcorp
Classification: Uncertain significance. Last evaluated: 2020-09-09. Review status: criteria provided, single submitter. Criteria: Invitae Variant Classification Sherloc (09022015). Collection method: clinical testing. Allele origin: germline.
Comment: This sequence change results in a premature translational stop signal in the GALNT12 gene (p.Lys553*). While this is not anticipated to result in nonsense mediated decay, it is expected to disrupt the last 29 amino acids of the GALNT12 protein. This variant is not present in population databases (ExAC no frequency). This variant has not been reported in the literature in individuals with GALNT12-related conditions. Algorithms developed to predict the effect of sequence changes on RNA splicing suggest that this variant may create or strengthen a splice site, but this prediction has not been confirmed by published transcriptional studies. In summary, the available evidence is currently insufficient to determine the role of this variant in disease. Therefore, it has been classified as a Variant of Uncertain Significance.

NM_024642.5(GALNT12):c.1657A>T (p.Lys553Ter)

Gene: GALNT12 (polypeptide N-acetylgalactosaminyltransferase 12; plus strand). Cytogenetic location: 9q22.33.
Variant type: single nucleotide variant.
Coding change: c.1657A>T on transcript NM_024642.5 (MANE Select); coding-DNA position 1657, A replaced by T.
Protein change: p.Lys553Ter; replaces lysine 553 with a stop codon.
Molecular consequence: nonsense.
Genome position (GRCh38, 1-based): chr9:98,849,003, A>T. VCF-style: chr9-98849003-A-T. GRCh37 (hg19) VCF-style: chr9-101611285-A-T.
Other names: short protein forms K553*.
Identifiers: ClinVar variation 1058067 (VCV001058067.7), dbSNP rs1331475779, ClinGen allele CA374222986.